The following is an entry in ClinVar:

ClinVar aggregate classification (germline): Pathogenic (1 of 4 stars; one submission).

Allele frequency attached by ClinVar (database versions not stated): TOPMed 0.00001.

Submission:

Labcorp Genetics (formerly Invitae), Labcorp
Classification: Pathogenic. Last evaluated: 2023-04-15. Review status: criteria provided, single submitter. Criteria: Invitae Variant Classification Sherloc (09022015). Collection method: clinical testing. Allele origin: germline.
Comment: For these reasons, this variant has been classified as Pathogenic. This sequence change creates a premature translational stop signal (p.Asp1886Metfs*36) in the CAD gene. It is expected to result in an absent or disrupted protein product. Loss-of-function variants in CAD are known to be pathogenic (PMID: 28007989, 32117025, 32820246, 33497533). This variant is not present in population databases (gnomAD no frequency). This variant has not been reported in the literature in individuals affected with CAD-related conditions.

Literature cited by the submitters: PubMed 28007989; PubMed 32117025; PubMed 32820246; PubMed 33497533.

NM_004341.5(CAD):c.5655del (p.Asp1886fs)

Gene: CAD (carbamoyl-phosphate synthetase 2, aspartate transcarbamylase, and dihydroorotase; plus strand). Cytogenetic location: 2p23.3.
Variant type: Deletion.
Coding change: c.5655del on transcript NM_004341.5 (MANE Select); coding-DNA position 5655, one base deleted (T; older notation c.5655delT).
Protein change: p.Asp1886fs; shifts the reading frame from aspartic acid 1886.
Molecular consequence: frameshift variant.
Genome position (GRCh38, 1-based): chr2:27,241,074, T deleted. VCF-style (leftmost placement, unchanged base first): chr2-27241073-CT-C. GRCh37 (hg19) VCF-style: chr2-27463941-CT-C.
Other names: c.5466del, p.Asp1823fs (NM_001306079.2); short protein forms D1823fs, D1886fs.
Identifiers: ClinVar variation 2801539 (VCV002801539.3), dbSNP rs1676294288, ClinGen allele CA1240184341.